The following is an entry in ClinVar:

ClinVar aggregate classification (germline): Pathogenic/Likely pathogenic. Review status: criteria provided, multiple submitters, no conflicts (2 of 4 stars). 4 submissions from 4 submitters: Pathogenic (3); Likely pathogenic (1). Last evaluated 2024-04-08.

Conditions:
Ectopic tissue. Also called: Heterotopia. Identifiers: MedGen C0008519.
Lissencephaly type 1 due to doublecortin gene mutation. Also called: LISSENCEPHALY, X-LINKED, 1; LISSENCEPHALY AND AGENESIS OF CORPUS CALLOSUM. Identifiers: Orphanet 2148, MedGen C4551968, MONDO:0010239, OMIM 300067.

Submissions (4):

Institute of Medical Genetics and Applied Genomics, University Hospital Tübingen
Classification: Pathogenic for Lissencephaly type 1 due to doublecortin gene mutation. Last evaluated: 2024-04-08. Review status: criteria provided, single submitter. Criteria: ACMG Guidelines, 2015. Collection method: clinical testing. Allele origin: germline. Inheritance: Autosomal dominant inheritance. Affected: yes.

Labcorp Genetics (formerly Invitae), Labcorp
Classification: Pathogenic. Last evaluated: 2021-04-22. Review status: criteria provided, single submitter. Criteria: Invitae Variant Classification Sherloc (09022015). Collection method: clinical testing. Allele origin: germline.
Comment: For these reasons, this variant has been classified as Pathogenic. Algorithms developed to predict the effect of missense changes on protein structure and function (SIFT, PolyPhen-2, Align-GVGD) all suggest that this variant is likely to be disruptive, but these predictions have not been confirmed by published functional studies and their clinical significance is uncertain. This variant has been observed in individual(s) with lissencephaly and subcortical band heterotopia (PMID: 9989615, 11175293, 28953922, 17111359, 23365099, 25817838). In at least one individual the variant was observed to be de novo. ClinVar contains an entry for this variant (Variation ID: 158433). This variant is not present in population databases (ExAC no frequency). This sequence change replaces arginine with histidine at codon 59 of the DCX protein (p.Arg59His). The arginine residue is highly conserved and there is a small physicochemical difference between arginine and histidine.

Genetic Services Laboratory, University of Chicago
Classification: Pathogenic for Abnormality of neuronal migration. Last evaluated: 2013-02-08. Review status: criteria provided, single submitter. Criteria: ACMG Guidelines, 2007. Collection method: clinical testing. Allele origin: germline. Inheritance: Autosomal dominant inheritance. Affected: yes.

Juno Genomics, Hangzhou Juno Genomics, Inc
Classification: Likely pathogenic for Lissencephaly type 1 due to doublecortin gene mutation. Review status: criteria provided, single submitter. Criteria: ACMG Guidelines, 2015. Collection method: clinical testing. Allele origin: germline. Affected: yes.
Comment: Absent from controls (or at extremely low frequency if recessive) in Genome Aggregation Database, Exome Sequencing Project, 1000 Genomes Project, or Exome Aggregation Consortium.;Well-established in vitro or in vivo functional studies supportive of a damaging effect on the gene or gene product.;The prevalence of the variant in affected individuals is significantly increased compared to the prevalence in controls.;Assumed de novo, but without confirmation of paternity and maternity.;Patient's phenotype or family history is highly specific for a disease with a single genetic etiology.

Literature cited by the submitters: PubMed 9989615 (cited by Labcorp Genetics (formerly Invitae), Labcorp); PubMed 11175293 (cited by Labcorp Genetics (formerly Invitae), Labcorp); PubMed 28953922 (cited by Labcorp Genetics (formerly Invitae), Labcorp); PubMed 17111359 (cited by Labcorp Genetics (formerly Invitae), Labcorp); PubMed 23365099 (cited by Labcorp Genetics (formerly Invitae), Labcorp); PubMed 25817838 (cited by Labcorp Genetics (formerly Invitae), Labcorp).

NM_001195553.2(DCX):c.176G>A (p.Arg59His)

Gene: DCX (doublecortin; minus strand). Cytogenetic location: Xq23.
Variant type: single nucleotide variant.
Coding change: c.176G>A on transcript NM_001195553.2 (MANE Select); coding-DNA position 176, G replaced by A.
Protein change: p.Arg59His; replaces arginine 59 with histidine.
Molecular consequence: missense variant.
Genome position (GRCh38, 1-based): chrX:111,410,223, C>T on the plus strand (G>A on the coding strand, the complement: DCX is on the minus strand). VCF-style: chrX-111410223-C-T. GRCh37 (hg19) VCF-style: chrX-110653451-C-T.
Other names: c.419G>A, p.Arg140His (NM_000555.3); c.176G>A, p.Arg59His (NM_001369370.1, NM_001369371.1, NM_001369372.1 and 5 more transcripts); short protein forms R59H, R140H.
Identifiers: ClinVar variation 158433 (VCV000158433.16), dbSNP rs122457137, ClinGen allele CA171866.